The following is an entry in ClinVar:

ClinVar aggregate classification (germline): Uncertain significance (1 of 4 stars; one submission).

Conditions:
Combined oxidative phosphorylation defect type 14. Also called: Combined oxidative phosphorylation deficiency 14. Identifiers: Orphanet 319519, MedGen C4755312, MONDO:0013986, OMIM 614946.

Allele frequency attached by ClinVar (database versions not stated): TOPMed below 0.00001; gnomAD 0.00001.
gnomAD v4.1: 3 of 1,613,984 alleles (0.00019%); highest among the groups gnomAD compares: Non-Finnish European, 0.00025%; no homozygotes.

Submission:

Labcorp Genetics (formerly Invitae), Labcorp
Classification: Uncertain significance for Combined oxidative phosphorylation defect type 14. Last evaluated: 2020-07-30. Review status: criteria provided, single submitter. Criteria: Invitae Variant Classification Sherloc (09022015). Collection method: clinical testing. Allele origin: germline.
Comment: Algorithms developed to predict the effect of missense changes on protein structure and function are either unavailable or do not agree on the potential impact of this missense change (SIFT: "Deleterious"; PolyPhen-2: "Probably Damaging"; Align-GVGD: "Class C0"). Algorithms developed to predict the effect of sequence changes on RNA splicing suggest that this variant may create or strengthen a splice site, but this prediction has not been confirmed by published transcriptional studies. In summary, the available evidence is currently insufficient to determine the role of this variant in disease. Therefore, it has been classified as a Variant of Uncertain Significance. This variant has not been reported in the literature in individuals with FARS2-related conditions. This variant is not present in population databases (ExAC no frequency). This sequence change replaces tryptophan with arginine at codon 333 of the FARS2 protein (p.Trp333Arg). The tryptophan residue is moderately conserved and there is a moderate physicochemical difference between tryptophan and arginine.

NM_006567.5(FARS2):c.997T>A (p.Trp333Arg)

Gene: FARS2 (phenylalanyl-tRNA synthetase 2, mitochondrial; plus strand). Cytogenetic location: 6p25.1.
Variant type: single nucleotide variant.
Coding change: c.997T>A on transcript NM_006567.5 (MANE Select); coding-DNA position 997, T replaced by A.
Protein change: p.Trp333Arg; replaces tryptophan 333 with arginine.
Molecular consequence: missense variant.
Genome position (GRCh38, 1-based): chr6:5,545,272, T>A. VCF-style: chr6-5545272-T-A. GRCh37 (hg19) VCF-style: chr6-5545505-T-A.
Other names: c.997T>A, p.Trp333Arg (NM_001318872.2, NM_001374875.1, NM_001374876.1 and 4 more transcripts); c.865T>A, p.Trp289Arg (NM_001375258.1); c.301T>A, p.Trp101Arg (NM_001375259.1, NM_001375260.1); short protein forms W101R, W289R, W333R.
Identifiers: ClinVar variation 1051026 (VCV001051026.9), dbSNP rs1257634772, ClinGen allele CA362736564.